The following is an entry in ClinVar:

NM_018255.4(ELP2):c.1733C>T (p.Ser578Leu)

Gene: ELP2 (elongator acetyltransferase complex subunit 2; plus strand). Cytogenetic location: 18q12.2.
Variant type: single nucleotide variant.
Coding change: c.1733C>T on transcript NM_018255.4 (MANE Select); coding-DNA position 1733, C replaced by T.
Protein change: p.Ser578Leu; replaces serine 578 with leucine.
Molecular consequence: missense variant. On other transcripts: non-coding transcript variant (4).
Genome position (GRCh38, 1-based): chr18:36,160,976, C>T. VCF-style: chr18-36160976-C-T. GRCh37 (hg19) VCF-style: chr18-33740939-C-T.
Other names: c.1928C>T, p.Ser643Leu (NM_001242875.3); c.1718C>T, p.Ser573Leu (NM_001242876.3); c.1655C>T, p.Ser552Leu (NM_001242877.3); c.1523C>T, p.Ser508Leu (NM_001242878.3, NM_001242879.3); c.1601C>T, p.Ser534Leu (NM_001324465.2); c.1850C>T, p.Ser617Leu (NM_001324466.2); c.1583C>T, p.Ser528Leu (NM_001324467.2); c.1286C>T, p.Ser429Leu (NM_001324468.2); short protein forms S429L, S508L, S528L, S534L, S552L, S573L, S578L, S617L.
Identifiers: ClinVar variation 3378392 (VCV003378392.2).

ClinVar aggregate classification (germline): Uncertain significance (1 of 4 stars; one submission).

gnomAD v4.1: 9 of 1,613,540 alleles (0.00056%); highest among the groups gnomAD compares: Admixed American, 0.012%; no homozygotes.

Submission:

GeneDx
Classification: Uncertain significance. Last evaluated: 2026-01-09. Review status: criteria provided, single submitter. Criteria: GeneDx Variant Classification Process June 2021. Collection method: clinical testing. Allele origin: germline. Affected: yes.
Comment: In silico analysis supports that this missense variant has a deleterious effect on protein structure/function; Has not been previously published as pathogenic or benign to our knowledge